The following is an entry in ClinVar:

ClinVar aggregate classification (germline): Uncertain significance (1 of 4 stars; one submission).

Conditions:
RASopathy. Also called: Noonan spectrum disorder; rasopathies. Identifiers: Orphanet 536391, MedGen C5555857, MONDO:0021060.

Submission:

Labcorp Genetics (formerly Invitae), Labcorp
Classification: Uncertain significance for RASopathy. Last evaluated: 2022-06-13. Review status: criteria provided, single submitter. Criteria: Invitae Variant Classification Sherloc (09022015). Collection method: clinical testing. Allele origin: germline.
Comment: This variant, c.527_529dup, results in the insertion of 1 amino acid(s) of the NRAS protein (p.Asp176dup), but otherwise preserves the integrity of the reading frame. This variant is not present in population databases (gnomAD no frequency). This variant has not been reported in the literature in individuals affected with NRAS-related conditions. In summary, the available evidence is currently insufficient to determine the role of this variant in disease. Therefore, it has been classified as a Variant of Uncertain Significance.

NM_002524.5(NRAS):c.524ATG[3] (p.Asp176_Gly177insAsp)

Gene: NRAS (NRAS proto-oncogene, GTPase; minus strand). Cytogenetic location: 1p13.2.
Variant type: Microsatellite.
Coding change: c.524ATG[3] on transcript NM_002524.5 (MANE Select); three copies in a row of the 3-base unit ATG starting at c.524; the reference has two copies in a row; one copy, 3 bases duplicated.
Protein change: p.Asp176_Gly177insAsp.
Molecular consequence: inframe insertion.
Genome position (GRCh38, 1-based): chr1:114,708,576-114,708,578, CAT duplicated on the plus strand (ATG on the coding strand, the reverse complement: NRAS is on the minus strand); duplicating any 3 consecutive bases within chr1:114,708,576-114,708,583 gives the same sequence; the position shown is the placement nearest the transcript's 3' end. VCF-style (leftmost placement, unchanged base first): chr1-114708575-C-CCAT. GRCh37 (hg19) VCF-style: chr1-115251196-C-CCAT.
Identifiers: ClinVar variation 1937169 (VCV001937169.5), dbSNP rs2526438674, ClinGen allele CA2580611190.